The following is an entry in ClinVar:

ClinVar aggregate classification (germline): Uncertain significance. Review status: criteria provided, multiple submitters, no conflicts (2 of 4 stars). 2 submissions from 2 submitters: Uncertain significance (2). Last evaluated 2025-02-04.

Allele frequency attached by ClinVar (database versions not stated): gnomAD exomes below 0.00001 and 0.00001; gnomAD 0.00001; TOPMed 0.00001.
gnomAD v4.1: 22 of 1,613,840 alleles (0.0014%); highest among the groups gnomAD compares: Non-Finnish European, 0.0018%; no homozygotes.

Submissions (2):

Ambry Genetics
Classification: Uncertain significance. Last evaluated: 2025-02-04. Review status: criteria provided, single submitter. Criteria: Ambry Variant Classification Scheme 2023. Collection method: clinical testing. Allele origin: germline.
Comment: The p.R1337G variant (also known as c.4009A>G), located in coding exon 31 of the A2ML1 gene, results from an A to G substitution at nucleotide position 4009. The arginine at codon 1337 is replaced by glycine, an amino acid with dissimilar properties. This amino acid position is conserved. In addition, this alteration is predicted to be tolerated by in silico analysis. Based on the available evidence, the clinical significance of this variant remains unclear.

Labcorp Genetics (formerly Invitae), Labcorp
Classification: Uncertain significance. Last evaluated: 2024-12-06. Review status: criteria provided, single submitter. Criteria: Invitae Variant Classification Sherloc (09022015). Collection method: clinical testing. Allele origin: germline.
Comment: This sequence change replaces arginine, which is basic and polar, with glycine, which is neutral and non-polar, at codon 1337 of the A2ML1 protein (p.Arg1337Gly). This variant is present in population databases (no rsID available, gnomAD 0.0009%). This variant has not been reported in the literature in individuals affected with A2ML1-related conditions. ClinVar contains an entry for this variant (Variation ID: 1366433). An algorithm developed to predict the effect of missense changes on protein structure and function (PolyPhen-2) suggests that this variant is likely to be tolerated. In summary, the available evidence is currently insufficient to determine the role of this variant in disease. Therefore, it has been classified as a Variant of Uncertain Significance.

NM_144670.6(A2ML1):c.4009A>G (p.Arg1337Gly)

Gene: A2ML1 (alpha-2-macroglobulin like 1; plus strand). Cytogenetic location: 12p13.31.
Variant type: single nucleotide variant.
Coding change: c.4009A>G on transcript NM_144670.6 (MANE Select); coding-DNA position 4009, A replaced by G.
Protein change: p.Arg1337Gly; replaces arginine 1337 with glycine.
Molecular consequence: missense variant.
Genome position (GRCh38, 1-based): chr12:8,868,305, A>G. VCF-style: chr12-8868305-A-G. GRCh37 (hg19) VCF-style: chr12-9020901-A-G.
Other names: c.2536A>G, p.Arg846Gly (NM_001282424.3); c.4009A>G (NM_144670.3); short protein forms R1337G, R846G.
Identifiers: ClinVar variation 1366433 (VCV001366433.9), dbSNP rs1435299149, ClinGen allele CA383812714.